The following is an entry in ClinVar:

ClinVar aggregate classification (germline): Likely benign (1 of 4 stars; one submission).

Conditions:
ATP8B1-related disorder. Also called: ATP8B1-related disorders; ATP8B1-related condition.

gnomAD v4.1: 3 of 1,611,136 alleles (0.00019%); highest among the groups gnomAD compares: Admixed American, 0.0033%; no homozygotes.

Submission:

PreventionGenetics, part of Exact Sciences
Classification: Likely benign for ATP8B1-related condition. Last evaluated: 2025-09-25. Review status: criteria provided, single submitter. Criteria: ACMG Guidelines, 2015. Collection method: clinical testing. Allele origin: germline.
Comment: This variant is classified as likely benign based on ACMG/AMP sequence variant interpretation guidelines (Richards et al. 2015 PMID: 25741868, with internal and published modifications).

NM_001374385.1(ATP8B1):c.*3C>T

Genes: ATP8B1 (ATPase phospholipid transporting 8B1; minus strand), ATP8B1-AS1 (ATP8B1 antisense RNA 1; plus strand). Cytogenetic location: 18q21.31.
Variant type: single nucleotide variant.
Coding change: c.*3C>T on transcript NM_001374385.1 (MANE Select); 3 bases downstream of the stop codon, C replaced by T.
Molecular consequence: 3 prime UTR variant.
Genome position (GRCh38, 1-based): chr18:57,648,485, G>A on the plus strand (C>T on the coding strand, the complement: ATP8B1 is on the minus strand). VCF-style: chr18-57648485-G-A. GRCh37 (hg19) VCF-style: chr18-55315717-G-A.
Other names: c.*3C>T (NM_001374386.1, NM_005603.6).
Identifiers: ClinVar variation 4988518 (VCV004988518.1).